The following is an entry in ClinVar:

ClinVar aggregate classification (germline): Likely benign (1 of 4 stars; one submission).

gnomAD v4.1: 13 of 1,613,890 alleles (0.00081%); highest among the groups gnomAD compares: East Asian, 0.0022%; no homozygotes.

Submission:

CeGaT Center for Human Genetics Tuebingen
Classification: Likely benign. Last evaluated: 2024-07-01. Review status: criteria provided, single submitter. Criteria: CeGaT Center For Human Genetics Tuebingen Variant Classification Criteria Version 2. Collection method: clinical testing. Allele origin: germline. Affected: yes. Observed: 1 variant allele.
Comment: DYNC1H1: BP4, BP7

NM_001376.5(DYNC1H1):c.7212G>A (p.Glu2404=)

Gene: DYNC1H1 (dynein cytoplasmic 1 heavy chain 1; plus strand). Cytogenetic location: 14q32.31.
Variant type: single nucleotide variant.
Coding change: c.7212G>A on transcript NM_001376.5 (MANE Select); coding-DNA position 7212, G replaced by A.
Protein change: p.Glu2404=; no amino-acid change (glutamic acid 2404 retained).
Molecular consequence: synonymous variant.
Genome position (GRCh38, 1-based): chr14:102,015,302, G>A. VCF-style: chr14-102015302-G-A. GRCh37 (hg19) VCF-style: chr14-102481639-G-A.
Identifiers: ClinVar variation 3256986 (VCV003256986.17).